The following is an entry in ClinVar:

NM_003848.4(SUCLG2):c.967A>C (p.Asn323His)

Gene: SUCLG2 (succinate-CoA ligase GDP-forming subunit beta; minus strand). Cytogenetic location: 3p14.1.
Variant type: single nucleotide variant.
Coding change: c.967A>C on transcript NM_003848.4 (MANE Select); coding-DNA position 967, A replaced by C.
Protein change: p.Asn323His; replaces asparagine 323 with histidine.
Molecular consequence: missense variant.
Genome position (GRCh38, 1-based): chr3:67,495,893, T>G on the plus strand (A>C on the coding strand, the complement: SUCLG2 is on the minus strand). VCF-style: chr3-67495893-T-G. GRCh37 (hg19) VCF-style: chr3-67546317-T-G.
Other names: c.967A>C, p.Asn323His (NM_001177599.2); short protein forms N323H.
Identifiers: ClinVar variation 3629324 (VCV003629324.2).

ClinVar aggregate classification (germline): Uncertain significance (1 of 4 stars; one submission).

Submission:

Labcorp Genetics (formerly Invitae), Labcorp
Classification: Uncertain significance. Last evaluated: 2024-07-23. Review status: criteria provided, single submitter. Criteria: Invitae Variant Classification Sherloc (09022015). Collection method: clinical testing. Allele origin: germline.
Comment: This sequence change replaces asparagine, which is neutral and polar, with histidine, which is basic and polar, at codon 323 of the SUCLG2 protein (p.Asn323His). This variant is not present in population databases (gnomAD no frequency). This variant has not been reported in the literature in individuals affected with SUCLG2-related conditions. An algorithm developed to predict the effect of missense changes on protein structure and function (PolyPhen-2) suggests that this variant is likely to be tolerated. In summary, the available evidence is currently insufficient to determine the role of this variant in disease. Therefore, it has been classified as a Variant of Uncertain Significance.